The following is an entry in ClinVar:

ClinVar aggregate classification (germline): Likely pathogenic (1 of 4 stars; one submission).

Conditions:
BBS10-related disorder. Also called: BBS10-related condition.

Submission:

PreventionGenetics, part of Exact Sciences
Classification: Likely pathogenic for BBS10-related condition. Last evaluated: 2026-01-06. Review status: criteria provided, single submitter. Criteria: ACMG Guidelines, 2015. Collection method: clinical testing. Allele origin: germline.
Comment: The BBS10 c.669_674dup6 variant is predicted to result in an in-frame duplication (p.Gly224_Val225dup). To our knowledge, this variant has not been reported in the literature. At PreventionGenetics, this variant has been observed in the compound heterozygous state in multiple individuals tested for Bardet-Biedl syndrome (PreventionGenetics, Internal Data). This variant is reported in 0.00088% of alleles in individuals of European (non-Finnish) descent in gnomAD. This variant is interpreted as likely pathogenic.

NM_024685.4(BBS10):c.669_674dup (p.Val225_Thr226insGlyVal)

Gene: BBS10 (Bardet-Biedl syndrome 10; minus strand). Cytogenetic location: 12q21.2.
Variant type: Duplication.
Coding change: c.669_674dup on transcript NM_024685.4 (MANE Select); coding-DNA positions 669 to 674, 6 bases duplicated (TGGTGT; older notation c.669_674dupTGGTGT).
Protein change: p.Val225_Thr226insGlyVal.
Molecular consequence: inframe insertion.
Genome position (GRCh38, 1-based): chr12:76,347,311-76,347,316, ACACCA duplicated on the plus strand (TGGTGT on the coding strand, the reverse complement: BBS10 is on the minus strand); duplicating any 6 consecutive bases within chr12:76,347,311-76,347,319 gives the same sequence; the c. name uses the placement nearest the transcript's 3' end. VCF-style (leftmost placement, unchanged base first): chr12-76347310-G-GACACCA. GRCh37 (hg19) VCF-style: chr12-76741090-G-GACACCA.
Other names: c.669_674dup6 (NM_024685.3).
Identifiers: ClinVar variation 3356746 (VCV003356746.3).